The following is an entry in ClinVar:

ClinVar aggregate classification (germline): Uncertain significance (1 of 4 stars; one submission).

gnomAD v4.1: 4 of 1,536,182 alleles (0.00026%); highest among the groups gnomAD compares: Non-Finnish European, 0.00035%; no homozygotes.

Submission:

GeneDx
Classification: Uncertain significance. Last evaluated: 2025-03-05. Review status: criteria provided, single submitter. Criteria: GeneDx Variant Classification Process June 2021. Collection method: clinical testing. Allele origin: germline. Affected: yes.
Comment: Not observed at significant frequency in large population cohorts (gnomAD); In silico analysis supports that this missense variant has a deleterious effect on protein structure/function; Has not been previously published as pathogenic or benign to our knowledge; Reported using an alternate transcript of the gene

NM_016203.4(PRKAG2):c.466+45225C>A

Gene: PRKAG2 (protein kinase AMP-activated non-catalytic subunit gamma 2; minus strand). Cytogenetic location: 7q36.1.
Variant type: single nucleotide variant.
Coding change: c.466+45225C>A on transcript NM_016203.4 (MANE Select); 45225 bases into the intron after coding-DNA position 466, C replaced by A.
Molecular consequence: intron variant. On other transcripts: missense variant (5), 5 prime UTR variant (1).
Genome position (GRCh38, 1-based): chr7:151,735,927, G>T on the plus strand (C>A on the coding strand, the complement: PRKAG2 is on the minus strand). VCF-style: chr7-151735927-G-T. GRCh37 (hg19) VCF-style: chr7-151433013-G-T.
Other names: c.67C>A, p.Arg23Ser (NM_001304527.2, NM_001363698.2, NM_001407028.1 and 2 more transcripts); c.-16C>A (NM_001407038.1); c.466+45225C>A (NM_001407031.1, NM_001407030.1, NM_001407023.1 and 2 more transcripts); c.149-60290C>A (NM_001407032.1); c.334+45225C>A (NM_001407026.1, NM_001040633.2, NM_001407027.1 and 1 more transcripts); c.360+45199C>A (NM_001407033.1); short protein forms R23S.
Identifiers: ClinVar variation 4083481 (VCV004083481.1).